The following is an entry in ClinVar:

NM_006308.3(HSPB3):c.355A>G (p.Lys119Glu)

Gene: HSPB3 (heat shock protein family B (small) member 3; plus strand). Cytogenetic location: 5q11.2.
Variant type: single nucleotide variant.
Coding change: c.355A>G on transcript NM_006308.3 (MANE Select); coding-DNA position 355, A replaced by G.
Protein change: p.Lys119Glu; replaces lysine 119 with glutamic acid.
Molecular consequence: missense variant.
Genome position (GRCh38, 1-based): chr5:54,456,144, A>G. VCF-style: chr5-54456144-A-G. GRCh37 (hg19) VCF-style: chr5-53751974-A-G.
Other names: short protein forms K119E.
Identifiers: ClinVar variation 353902 (VCV000353902.39), dbSNP rs41270303, ClinGen allele CA3264677.

ClinVar aggregate classification (germline): Benign/Likely benign. Review status: criteria provided, multiple submitters, no conflicts (2 of 4 stars). 3 submissions from 3 submitters: Benign (2); Likely benign (1). Last evaluated 2026-07-01.

Conditions:
Neuronopathy, distal hereditary motor, type 2C. Also called: HMN IIC; NEUROPATHY, DISTAL HEREDITARY MOTOR, AUTOSOMAL DOMINANT 4; NEURONOPATHY, DISTAL HEREDITARY MOTOR, HARDING TYPE IIC; NEUROPATHY, DISTAL HEREDITARY MOTOR, HARDING TYPE IIC. Identifiers: Orphanet 139525, MedGen C3150619, MONDO:0013243, OMIM 613376.

Allele frequency attached by ClinVar (database versions not stated): TOPMed 0.00028; ESP Exome Variant Server 0.00054; 1000 Genomes Project 30x 0.00109; 1000 Genomes Project 0.00140; gnomAD exomes 0.00157 and 0.00352; ExAC 0.00288; gnomAD 0.00612.

Submissions (3):

CeGaT Center for Human Genetics Tuebingen
Classification: Likely benign. Last evaluated: 2026-07-01. Review status: criteria provided, single submitter. Criteria: CeGaT Center For Human Genetics Tuebingen Variant Classification Criteria Version 2. Collection method: clinical testing. Allele origin: germline. Affected: yes. Observed: 2 variant alleles.
Comment: HSPB3: BS2

Labcorp Genetics (formerly Invitae), Labcorp
Classification: Benign for Neuronopathy, distal hereditary motor, type 2C. Last evaluated: 2025-12-18. Review status: criteria provided, single submitter. Criteria: Invitae Variant Classification Sherloc (09022015). Collection method: clinical testing. Allele origin: germline.

Illumina Laboratory Services, Illumina
Classification: Benign for Neuronopathy, distal hereditary motor, type 2C. Last evaluated: 2018-01-12. Review status: criteria provided, single submitter. Criteria: ICSL Variant Classification Criteria 13 December 2019. Collection method: clinical testing. Allele origin: germline.
Comment: This variant was observed in the ICSL laboratory as part of a predisposition screen in an ostensibly healthy population. It had not been previously curated by ICSL or reported in the Human Gene Mutation Database (HGMD: prior to June 1st, 2018), and was therefore a candidate for classification through an automated scoring system. Utilizing variant allele frequency, disease prevalence and penetrance estimates, and inheritance mode, an automated score was calculated to assess if this variant is too frequent to cause the disease. Based on the score and internal cut-off values, a variant classified as benign is not then subjected to further curation. The score for this variant resulted in a classification of benign for this disease.